The following is an entry in ClinVar:

NM_000465.4(BARD1):c.1568+7A>G

Gene: BARD1 (BRCA1 associated RING domain 1; minus strand). Cytogenetic location: 2q35.
Variant type: single nucleotide variant.
Coding change: c.1568+7A>G on transcript NM_000465.4 (MANE Select); 7 bases into the intron after coding-DNA position 1568, A replaced by G.
Molecular consequence: intron variant.
Genome position (GRCh38, 1-based): chr2:214,767,475, T>C on the plus strand (A>G on the coding strand, the complement: BARD1 is on the minus strand). VCF-style: chr2-214767475-T-C. GRCh37 (hg19) VCF-style: chr2-215632199-T-C.
Other names: c.159-14920A>G (NM_001282548.2); c.1511+7A>G (NM_001282543.2); c.216-14920A>G (NM_001282545.2); c.364+24822A>G (NM_001282549.2).
Identifiers: ClinVar variation 1101554 (VCV001101554.11), dbSNP rs2106076097, ClinGen allele CA2499215611.
Genomic context (GRCh38, chr2:214,767,475, plus strand): 5'-TTATCACACACCTTGATTCAAGAATATAGGTCCATTTTAAAAATAATTTTTACGTTGAAC[T>C]ACTTACACAGCATTTCTGGAGGCTCCATAGGAAAGTAACAGCTTGACTATATCCACATGC-3'

ClinVar aggregate classification (germline): Likely benign. Review status: criteria provided, multiple submitters, no conflicts (2 of 4 stars). 2 submissions from 2 submitters: Likely benign (2). Last evaluated 2024-12-18.

Conditions:
Familial cancer of breast. Also called: BREAST CANCER, FAMILIAL; Hereditary breast cancer; hereditary breast carcinoma. Identifiers: Orphanet 227535, MedGen C0346153, MONDO:0016419, OMIM 114480. Disease mechanism: loss of function.

Submissions (2):

Labcorp Genetics (formerly Invitae), Labcorp
Classification: Likely benign for Familial cancer of breast. Last evaluated: 2024-12-18. Review status: criteria provided, single submitter. Criteria: Invitae Variant Classification Sherloc (09022015). Collection method: clinical testing. Allele origin: germline.

Myriad Genetics, Inc.
Classification: Likely benign for Familial cancer of breast. Last evaluated: 2024-07-25. Review status: criteria provided, single submitter. Criteria: Myriad Autosomal Dominant, Autosomal Recessive and X-Linked Classification Criteria (2023). Collection method: clinical testing. Allele origin: unknown.
Comment: This variant is considered likely benign. This variant is intronic and is not expected to impact mRNA splicing.